The following is an entry in ClinVar:

NM_000051.4(ATM):c.887A>G (p.Lys296Arg)

Gene: ATM (ATM serine/threonine kinase; plus strand). Cytogenetic location: 11q22.3.
Variant type: single nucleotide variant.
Coding change: c.887A>G on transcript NM_000051.4 (MANE Select); coding-DNA position 887, A replaced by G.
Protein change: p.Lys296Arg; replaces lysine 296 with arginine.
Molecular consequence: missense variant.
Genome position (GRCh38, 1-based): chr11:108,245,012, A>G. VCF-style: chr11-108245012-A-G. GRCh37 (hg19) VCF-style: chr11-108115739-A-G.
Other names: c.887A>G, p.Lys296Arg (NM_001351834.2); short protein forms K296R.
Identifiers: ClinVar variation 421687 (VCV000421687.10), dbSNP rs1064795297, ClinGen allele CA16619102.
Genomic context (GRCh38, chr11:108,245,012, plus strand): 5'-AAGAAGTCATTATTGAATTATTTCAACTGCAAATTTATATCCATCATCCGAAAGGAGCCA[A>G]AACCCAAGAAAAAGGTATAAAGGAAATGTTTACTGTTTTGAATTTGCTTCTTCATTCAAA-3'
Protein context (NP_000042.3, residues 286-306): QIYIHHPKGA[Lys296Arg]TQEKGAYEST

ClinVar aggregate classification (germline): Conflicting classifications of pathogenicity. Review status: criteria provided, conflicting classifications (1 of 4 stars). 3 submissions from 3 submitters: Uncertain significance (2); Likely benign (1). Last evaluated 2025-09-04.

Conditions:
Hereditary cancer-predisposing syndrome. Also called: Hereditary neoplastic syndrome; Hereditary Cancer Syndrome; Neoplastic Syndromes, Hereditary; Tumor predisposition. Identifiers: Orphanet 140162, MedGen C0027672, MeSH D009386, MONDO:0015356.
Ataxia-telangiectasia syndrome (AT). Also called: Ataxia-telangiectasia, complementation group D; Cerebello-oculocutaneous telangiectasia; Immunodeficiency with ataxia telangiectasia; ATAXIA-TELANGIECTASIA, COMPLEMENTATION GROUP A; ATAXIA-TELANGIECTASIA, FRESNO VARIANT; LOUIS-BAR SYNDROME. Identifiers: Orphanet 100, MedGen C0004135, MONDO:0008840, OMIM 208900.

Submissions (3):

Labcorp Genetics (formerly Invitae), Labcorp
Classification: Uncertain significance for Ataxia-telangiectasia syndrome. Last evaluated: 2025-09-04. Review status: criteria provided, single submitter. Criteria: Invitae Variant Classification Sherloc (09022015). Collection method: clinical testing. Allele origin: germline.
Comment: This sequence change replaces lysine, which is basic and polar, with arginine, which is basic and polar, at codon 296 of the ATM protein (p.Lys296Arg). This variant is not present in population databases (gnomAD no frequency). This missense change has been observed in individual(s) with breast cancer (PMID: 36315513). ClinVar contains an entry for this variant (Variation ID: 421687). Invitae Evidence Modeling of protein sequence and biophysical properties (such as structural, functional, and spatial information, amino acid conservation, physicochemical variation, residue mobility, and thermodynamic stability) indicates that this missense variant is not expected to disrupt ATM protein function with a negative predictive value of 95%. In summary, the available evidence is currently insufficient to determine the role of this variant in disease. Therefore, it has been classified as a Variant of Uncertain Significance.

Ambry Genetics
Classification: Likely benign for Hereditary cancer-predisposing syndrome. Last evaluated: 2024-06-03. Review status: criteria provided, single submitter. Criteria: Ambry Variant Classification Scheme 2023. Collection method: clinical testing. Allele origin: germline.

GeneDx
Classification: Uncertain significance. Last evaluated: 2016-07-14. Review status: criteria provided, single submitter. Criteria: GeneDx Variant Classification (06012015). Collection method: clinical testing. Allele origin: germline. Affected: yes.
Comment: This variant is denoted ATM c.887A>G at the cDNA level, p.Lys296Arg (K296R) at the protein level, and results in the change of a Lysine to an Arginine (AAA>AGA). This variant has not, to our knowledge, been published in the literature as pathogenic or benign. ATM Lys296Arg was not observed in approximately 6,500 individuals of European and African American ancestry in the NHLBI Exome Sequencing Project, suggesting it is not a common benign variant in these populations. Since Lysine and Arginine share similar properties, this is considered a conservative amino acid substitution. ATM Lys296Arg occurs at a position where amino acids with properties similar to Lysine are tolerated across species and is not located in a known functional domain (Tavtigian 2009, Stracker 2013). In silico analyses predict that this variant is unlikely to alter protein structure or function. Based on currently available evidence, it is unclear whether ATM Lys296Arg is a pathogenic or benign variant. We consider it to be a variant of uncertain significance.

Literature cited by the submitters: PubMed 36315513 (cited by Labcorp Genetics (formerly Invitae), Labcorp).